The following is an entry in ClinVar:

ClinVar aggregate classification (germline): Likely pathogenic (1 of 4 stars; one submission).

Conditions:
Duchenne muscular dystrophy (DMD). Also called: Duchenne Muscular Dystrophy (DMD); MUSCULAR DYSTROPHY, PSEUDOHYPERTROPHIC PROGRESSIVE, DUCHENNE TYPE. Identifiers: Orphanet 98896, MedGen C0013264, MONDO:0010679, OMIM 310200.

Submission:

Labcorp Genetics (formerly Invitae), Labcorp
Classification: Likely pathogenic for Duchenne muscular dystrophy. Last evaluated: 2020-12-14. Review status: criteria provided, single submitter. Criteria: Invitae Variant Classification Sherloc (09022015). Collection method: clinical testing. Allele origin: germline.
Comment: In summary, the currently available evidence indicates that the variant is pathogenic, but additional data are needed to prove that conclusively. Therefore, this variant has been classified as Likely Pathogenic. This variant has been observed in individual(s) with Duchenne muscular dystrophy (PMID: 29874176). This variant results in a copy number gain of the genomic region encompassing exon(s) 5-43 of the DMD gene. While the exact position of this variant cannot be determined from the data, sub-genic copy number gains are generally in tandem (PMID: 25640679). This variant is predicted to be out-of-frame, and may result in an absent or disrupted protein product. Loss-of-function variants in DMD are known to be pathogenic (PMID: 16770791, 25007885).

Literature cited by the submitters: PubMed 29874176; PubMed 25640679; PubMed 16770791; PubMed 25007885.

NC_000023.10:g.(?_32305636)_(32841514_?)dup

Gene: DMD (dystrophin; minus strand). Cytogenetic location: Xp21.1.
Variant type: Duplication.
Identifiers: ClinVar variation 1511418 (VCV001511418.5).